The following is an entry in ClinVar:

NM_020117.11(LARS1):c.31G>A (p.Asp11Asn)

Genes: LARS1 (leucyl-tRNA synthetase 1; minus strand), LOC129389388 (MPRA-validated peak5521 silencer; plus strand). Cytogenetic location: 5q32.
Variant type: single nucleotide variant.
Coding change: c.31G>A on transcript NM_020117.11 (MANE Select); coding-DNA position 31, G replaced by A.
Protein change: p.Asp11Asn; replaces aspartic acid 11 with asparagine.
Molecular consequence: missense variant. On other transcripts: intron variant (1).
Genome position (GRCh38, 1-based): chr5:146,177,641, C>T on the plus strand (G>A on the coding strand, the complement: LARS1 is on the minus strand). VCF-style: chr5-146177641-C-T. GRCh37 (hg19) VCF-style: chr5-145557204-C-T.
Other names: c.31G>A, p.Asp11Asn (NM_001317964.2, NM_016460.4); c.-38+4847G>A (NM_001317965.2); short protein forms D11N.
Identifiers: ClinVar variation 3117906 (VCV003117906.2), dbSNP rs182260391, ClinGen allele CA3490055.
Genomic context (GRCh38, chr5:146,177,641, plus strand): 5'-CAAACACTCTCTCAGTATCCCATTTCTGTTGGATTTCTTTCTCAATCTTCTTCAAAAAGT[C>T]CACTTTGGCTGTTCCTTTTCTTTCCTATTGGACACAAAGAGAATAATCCACTCTGTATTT-3'
Protein context (NP_064502.9, residues 1-21): MAERKGTAKV[Asp11Asn]FLKKIEKEIQ

ClinVar aggregate classification (germline): Conflicting classifications of pathogenicity. Review status: criteria provided, conflicting classifications (1 of 4 stars). 2 submissions from 2 submitters: Uncertain significance (1); Likely benign (1). Last evaluated 2023-10-20.

Allele frequency attached by ClinVar (database versions not stated): gnomAD exomes 0.00004; gnomAD 0.00005; TOPMed 0.00009; ExAC 0.00023; 1000 Genomes Project 30x 0.00031; 1000 Genomes Project 0.00040.
gnomAD v4.1: 69 of 1,602,326 alleles (0.0043%); highest among the groups gnomAD compares: East Asian, 0.15%; 1 homozygote.

Submissions (2):

GeneDx
Classification: Uncertain significance. Last evaluated: 2023-10-20. Review status: criteria provided, single submitter. Criteria: GeneDx Variant Classification Process June 2021. Collection method: clinical testing. Allele origin: germline. Affected: yes.
Comment: In silico analysis supports that this missense variant does not alter protein structure/function; Has not been previously published as pathogenic or benign to our knowledge

Ambry Genetics
Classification: Likely benign. Last evaluated: 2022-11-18. Review status: criteria provided, single submitter. Criteria: Ambry Variant Classification Scheme 2023. Collection method: clinical testing. Allele origin: germline.